The following is an entry in ClinVar:

NM_002458.3(MUC5B):c.7748C>T (p.Thr2583Met)

Genes: MUC5B-AS1 (MUC5B antisense RNA 1; minus strand), MUC5B (mucin 5B, oligomeric mucus/gel-forming; plus strand). Cytogenetic location: 11p15.5.
Variant type: single nucleotide variant.
Coding change: c.7748C>T on transcript NM_002458.3 (MANE Select); coding-DNA position 7748, C replaced by T.
Protein change: p.Thr2583Met; replaces threonine 2583 with methionine.
Molecular consequence: missense variant.
Genome position (GRCh38, 1-based): chr11:1,244,628, C>T. VCF-style: chr11-1244628-C-T. GRCh37 (hg19) VCF-style: chr11-1265858-C-T.
Other names: c.7748C>T (NM_002458.2); short protein forms T2583M.
Identifiers: ClinVar variation 2641234 (VCV002641234.25), dbSNP rs202161651, ClinGen allele CA5806407.

ClinVar aggregate classification (germline): Likely benign. Review status: criteria provided, multiple submitters, no conflicts (2 of 4 stars). 2 submissions from 2 submitters: Likely benign (2). Last evaluated 2025-08-04.

Allele frequency attached by ClinVar (database versions not stated): gnomAD 0.00254; ESP Exome Variant Server 0.00271; 1000 Genomes Project 0.00339; 1000 Genomes Project 30x 0.00359.
gnomAD v4.1: 6,614 of 1,613,738 alleles (0.41%); highest among the groups gnomAD compares: South Asian, 0.83%; 4 homozygotes.

Submissions (2):

Ambry Genetics
Classification: Likely benign. Last evaluated: 2025-08-04. Review status: criteria provided, single submitter. Criteria: Ambry Variant Classification Scheme 2023. Collection method: clinical testing. Allele origin: germline.

CeGaT Center for Human Genetics Tuebingen
Classification: Likely benign. Last evaluated: 2025-02-01. Review status: criteria provided, single submitter. Criteria: CeGaT Center For Human Genetics Tuebingen Variant Classification Criteria Version 2. Collection method: clinical testing. Allele origin: germline. Affected: yes. Observed: 6 variant alleles.
Comment: MUC5B: BP4, BS1